The following is an entry in ClinVar:

NM_000138.5(FBN1):c.7478_7488del (p.Gln2493fs)

Gene: FBN1 (fibrillin 1; minus strand). Cytogenetic location: 15q21.1.
Variant type: Deletion.
Coding change: c.7478_7488del on transcript NM_000138.5 (MANE Select); coding-DNA positions 7478 to 7488, 11 bases deleted (AACACAACTGC).
Protein change: p.Gln2493fs; shifts the reading frame from glutamine 2493.
Molecular consequence: frameshift variant.
Genome position (GRCh38, 1-based): chr15:48,422,034-48,422,044, GCAGTTGTGTT deleted on the plus strand (AACACAACTGC on the coding strand, the reverse complement: FBN1 is on the minus strand); deleting any 11 consecutive bases within chr15:48,422,034-48,422,046 gives the same sequence; the c. name uses the placement nearest the transcript's 3' end. VCF-style (leftmost placement, unchanged base first): chr15-48422033-GGCAGTTGTGTT-G. GRCh37 (hg19) VCF-style: chr15-48714230-GGCAGTTGTGTT-G.
Other names: c.7476_7486delGCAACACAACT, p.Gln2493Profs (NM_001406716.1); short protein forms Q2493fs.
Identifiers: ClinVar variation 2112091 (VCV002112091.4), dbSNP rs2505399779, ClinGen allele CA2580089595.

ClinVar aggregate classification (germline): Pathogenic (1 of 4 stars; one submission).

Conditions:
Familial thoracic aortic aneurysm and aortic dissection (TAAD). Also called: Thoracic aortic aneurysms and dissections. Identifiers: Orphanet 91387, MedGen C4707243, MONDO:0019625.
Marfan syndrome (MFS). Also called: MARFAN SYNDROME, TYPE I; Marfan syndrome type 1; Marfan's syndrome; Marfan syndrome, classic; FBN1-Related Marfan Syndrome. Identifiers: Orphanet 284963, Orphanet 558, MedGen C0024796, MONDO:0007947, OMIM 154700.

Submission:

Labcorp Genetics (formerly Invitae), Labcorp
Classification: Pathogenic for Marfan syndrome; Familial thoracic aortic aneurysm and aortic dissection. Last evaluated: 2022-03-14. Review status: criteria provided, single submitter. Criteria: Invitae Variant Classification Sherloc (09022015). Collection method: clinical testing. Allele origin: germline.
Comment: This variant is not present in population databases (gnomAD no frequency). This sequence change creates a premature translational stop signal (p.Gln2493Profs*6) in the FBN1 gene. It is expected to result in an absent or disrupted protein product. Loss-of-function variants in FBN1 are known to be pathogenic (PMID: 17657824, 19293843). This variant has not been reported in the literature in individuals affected with FBN1-related conditions. For these reasons, this variant has been classified as Pathogenic.

Literature cited by the submitters: PubMed 17657824; PubMed 19293843.